The following is an entry in ClinVar:

ClinVar aggregate classification (germline): Uncertain significance (1 of 4 stars; one submission).

Allele frequency attached by ClinVar (database versions not stated): TOPMed 0.00001.
gnomAD v4.1: 2 of 1,610,120 alleles (0.00012%); highest among the groups gnomAD compares: African/African-American, 0.0027%; no homozygotes.

Submission:

GeneDx
Classification: Uncertain significance. Last evaluated: 2022-07-21. Review status: criteria provided, single submitter. Criteria: GeneDx Variant Classification Process June 2021. Collection method: clinical testing. Allele origin: germline. Affected: yes.
Comment: Not observed at significant frequency in large population cohorts (gnomAD); In silico analysis supports that this missense variant does not alter protein structure/function; Has not been previously published as pathogenic or benign to our knowledge

NM_021098.3(CACNA1H):c.6995C>A (p.Pro2332His)

Gene: CACNA1H (calcium voltage-gated channel subunit alpha1 H; plus strand). Cytogenetic location: 16p13.3.
Variant type: single nucleotide variant.
Coding change: c.6995C>A on transcript NM_021098.3 (MANE Select); coding-DNA position 6995, C replaced by A.
Protein change: p.Pro2332His; replaces proline 2332 with histidine.
Molecular consequence: missense variant.
Genome position (GRCh38, 1-based): chr16:1,220,927, C>A. VCF-style: chr16-1220927-C-A. GRCh37 (hg19) VCF-style: chr16-1270927-C-A.
Other names: c.6977C>A, p.Pro2326His (NM_001005407.2); short protein forms P2326H, P2332H.
Identifiers: ClinVar variation 2136256 (VCV002136256.1), dbSNP rs759417643, ClinGen allele CA394151543.